The following is an entry in ClinVar:

ClinVar aggregate classification (germline): Uncertain significance (1 of 4 stars; one submission).

Allele frequency attached by ClinVar (database versions not stated): gnomAD 0.00002; TOPMed 0.00004.
gnomAD v4.1: 30 of 1,184,275 alleles (0.0025%); highest among the groups gnomAD compares: South Asian, 0.016%; no homozygotes.

Submission:

Labcorp Genetics (formerly Invitae), Labcorp
Classification: Uncertain significance. Last evaluated: 2024-07-06. Review status: criteria provided, single submitter. Criteria: Invitae Variant Classification Sherloc (09022015). Collection method: clinical testing. Allele origin: germline.
Comment: This sequence change replaces arginine, which is basic and polar, with glutamine, which is neutral and polar, at codon 1755 of the CACNA1F protein (p.Arg1755Gln). This variant also falls at the last nucleotide of exon 44, which is part of the consensus splice site for this exon. The frequency data for this variant in the population databases is considered unreliable, as metrics indicate poor data quality at this position in the gnomAD database. This variant has not been reported in the literature in individuals affected with CACNA1F-related conditions. ClinVar contains an entry for this variant (Variation ID: 1913418). Algorithms developed to predict the effect of missense changes on protein structure and function output the following: SIFT: "Not Available"; PolyPhen-2: "Benign"; Align-GVGD: "Not Available". The glutamine amino acid residue is found in multiple mammalian species, which suggests that this missense change does not adversely affect protein function. Variants that disrupt the consensus splice site are a relatively common cause of aberrant splicing (PMID: 17576681, 9536098). Algorithms developed to predict the effect of sequence changes on RNA splicing suggest that this variant may disrupt the consensus splice site. In summary, the available evidence is currently insufficient to determine the role of this variant in disease. Therefore, it has been classified as a Variant of Uncertain Significance.

Literature cited by the submitters: PubMed 17576681; PubMed 9536098.

NM_001256789.3(CACNA1F):c.5231G>A (p.Arg1744Gln)

Gene: CACNA1F (calcium voltage-gated channel subunit alpha1 F; minus strand). Cytogenetic location: Xp11.23.
Variant type: single nucleotide variant.
Coding change: c.5231G>A on transcript NM_001256789.3 (MANE Select); coding-DNA position 5231, G replaced by A.
Protein change: p.Arg1744Gln; replaces arginine 1744 with glutamine.
Molecular consequence: missense variant.
Genome position (GRCh38, 1-based): chrX:49,207,005, C>T on the plus strand (G>A on the coding strand, the complement: CACNA1F is on the minus strand). VCF-style: chrX-49207005-C-T. GRCh37 (hg19) VCF-style: chrX-49063466-C-T.
Other names: c.5069G>A, p.Arg1690Gln (NM_001256790.3); c.5264G>A, p.Arg1755Gln (NM_005183.4); short protein forms R1755Q, R1690Q, R1744Q.
Identifiers: ClinVar variation 1913418 (VCV001913418.5), dbSNP rs1557105073, ClinGen allele CA412958571.